The following is an entry in ClinVar:

ClinVar aggregate classification (germline): Uncertain significance (1 of 4 stars; one submission).

gnomAD v4.1: 6 of 1,613,996 alleles (0.00037%); highest among the groups gnomAD compares: African/African-American, 0.008%; no homozygotes.

Submission:

Labcorp Genetics (formerly Invitae), Labcorp
Classification: Uncertain significance. Last evaluated: 2024-05-24. Review status: criteria provided, single submitter. Criteria: Invitae Variant Classification Sherloc (09022015). Collection method: clinical testing. Allele origin: germline.
Comment: This sequence change replaces cysteine, which is neutral and slightly polar, with arginine, which is basic and polar, at codon 176 of the ASRGL1 protein (p.Cys176Arg). This variant is present in population databases (no rsID available, gnomAD 0.007%). This variant has not been reported in the literature in individuals affected with ASRGL1-related conditions. An algorithm developed to predict the effect of missense changes on protein structure and function (PolyPhen-2) suggests that this variant is likely to be tolerated. In summary, the available evidence is currently insufficient to determine the role of this variant in disease. Therefore, it has been classified as a Variant of Uncertain Significance.

NM_001083926.2(ASRGL1):c.526T>C (p.Cys176Arg)

Gene: ASRGL1 (asparaginase and isoaspartyl peptidase 1; plus strand). Cytogenetic location: 11q12.3.
Variant type: single nucleotide variant.
Coding change: c.526T>C on transcript NM_001083926.2 (MANE Select); coding-DNA position 526, T replaced by C.
Protein change: p.Cys176Arg; replaces cysteine 176 with arginine.
Molecular consequence: missense variant.
Genome position (GRCh38, 1-based): chr11:62,389,167, T>C. VCF-style: chr11-62389167-T-C. GRCh37 (hg19) VCF-style: chr11-62156639-T-C.
Other names: c.526T>C, p.Cys176Arg (NM_025080.4); short protein forms C176R.
Identifiers: ClinVar variation 3605241 (VCV003605241.2).